The following is an entry in ClinVar:

ClinVar aggregate classification (germline): Uncertain significance. Review status: criteria provided, multiple submitters, no conflicts (2 of 4 stars). 2 submissions from 2 submitters: Uncertain significance (2). Last evaluated 2025-01-22.

Conditions:
Inborn genetic diseases. Identifiers: MedGen C0950123, MeSH D030342.

Allele frequency attached by ClinVar (database versions not stated): gnomAD 0.00003; gnomAD exomes 0.00003; ExAC 0.00004.
gnomAD v4.1: 59 of 1,556,410 alleles (0.0038%); highest among the groups gnomAD compares: Middle Eastern, 0.033%; 1 homozygote.

Submissions (2):

Ambry Genetics
Classification: Uncertain significance for Inborn genetic diseases. Last evaluated: 2025-01-22. Review status: criteria provided, single submitter. Criteria: Ambry Variant Classification Scheme 2023. Collection method: clinical testing. Allele origin: germline.

CeGaT Center for Human Genetics Tuebingen
Classification: Uncertain significance. Last evaluated: 2024-01-01. Review status: criteria provided, single submitter. Criteria: CeGaT Center For Human Genetics Tuebingen Variant Classification Criteria Version 2. Collection method: clinical testing. Allele origin: germline. Affected: yes. Observed: 1 variant allele.
Comment: WDR4: PM2, PM3:Supporting

NM_018669.6(WDR4):c.578G>A (p.Arg193His)

Gene: WDR4 (WDR4 tRNA N7-guanosine methyltransferase non-catalytic subunit; minus strand). Cytogenetic location: 21q22.3.
Variant type: single nucleotide variant.
Coding change: c.578G>A on transcript NM_018669.6 (MANE Select); coding-DNA position 578, G replaced by A.
Protein change: p.Arg193His; replaces arginine 193 with histidine.
Molecular consequence: missense variant. On other transcripts: non-coding transcript variant (1).
Genome position (GRCh38, 1-based): chr21:42,859,711, C>T on the plus strand (G>A on the coding strand, the complement: WDR4 is on the minus strand). VCF-style: chr21-42859711-C-T. GRCh37 (hg19) VCF-style: chr21-44279821-C-T.
Other names: c.578G>A, p.Arg193His (NM_001260474.2, NM_033661.5); c.140G>A, p.Arg47His (NM_001260475.2, NM_001260476.2, NM_001260477.2 and 1 more transcripts); short protein forms R47H, R193H.
Identifiers: ClinVar variation 2379544 (VCV002379544.25), dbSNP rs765803797, ClinGen allele CA10046026.